The following is an entry in ClinVar:

ClinVar aggregate classification (germline): Uncertain significance. Review status: criteria provided, multiple submitters, no conflicts (2 of 4 stars). 2 submissions from 2 submitters: Uncertain significance (2). Last evaluated 2025-08-25.

Conditions:
Arrhythmogenic right ventricular dysplasia 13. Also called: Arrhythmogenic right ventricular dysplasia, familial, 13; ARRHYTHMOGENIC RIGHT VENTRICULAR CARDIOMYOPATHY 13. Identifiers: MedGen C3810138, MONDO:0000908, OMIM 615616.

Submissions (2):

Labcorp Genetics (formerly Invitae), Labcorp
Classification: Uncertain significance for Arrhythmogenic right ventricular dysplasia 13. Last evaluated: 2025-08-25. Review status: criteria provided, single submitter. Criteria: Invitae Variant Classification Sherloc (09022015). Collection method: clinical testing. Allele origin: germline.
Comment: This sequence change replaces asparagine, which is neutral and polar, with serine, which is neutral and polar, at codon 261 of the CTNNA3 protein (p.Asn261Ser). This variant is not present in population databases (gnomAD no frequency). This variant has not been reported in the literature in individuals affected with CTNNA3-related conditions. ClinVar contains an entry for this variant (Variation ID: 1760793). Invitae Evidence Modeling of protein sequence and biophysical properties (such as structural, functional, and spatial information, amino acid conservation, physicochemical variation, residue mobility, and thermodynamic stability) indicates that this missense variant is not expected to disrupt CTNNA3 protein function with a negative predictive value of 80%. In summary, the available evidence is currently insufficient to determine the role of this variant in disease. Therefore, it has been classified as a Variant of Uncertain Significance.

Ambry Genetics
Classification: Uncertain significance. Last evaluated: 2021-12-07. Review status: criteria provided, single submitter. Criteria: Ambry Variant Classification Scheme 2023. Collection method: clinical testing. Allele origin: germline.
Comment: The p.N261S variant (also known as c.782A>G), located in coding exon 5 of the CTNNA3 gene, results from an A to G substitution at nucleotide position 782. The asparagine at codon 261 is replaced by serine, an amino acid with highly similar properties. This amino acid position is conserved. In addition, this alteration is predicted to be tolerated by in silico analysis. Since supporting evidence is limited at this time, the clinical significance of this alteration remains unclear.

NM_013266.4(CTNNA3):c.782A>G (p.Asn261Ser)

Gene: CTNNA3 (catenin alpha 3; minus strand). Cytogenetic location: 10q21.3.
Variant type: single nucleotide variant.
Coding change: c.782A>G on transcript NM_013266.4 (MANE Select); coding-DNA position 782, A replaced by G.
Protein change: p.Asn261Ser; replaces asparagine 261 with serine.
Molecular consequence: missense variant.
Genome position (GRCh38, 1-based): chr10:67,219,668, T>C on the plus strand (A>G on the coding strand, the complement: CTNNA3 is on the minus strand). VCF-style: chr10-67219668-T-C. GRCh37 (hg19) VCF-style: chr10-68979426-T-C.
Other names: c.782A>G, p.Asn261Ser (NM_001127384.3); c.818A>G, p.Asn273Ser (NM_001291133.2); short protein forms N273S, N261S.
Identifiers: ClinVar variation 1760793 (VCV001760793.3), dbSNP rs2548039596, ClinGen allele CA377097265.